The following is an entry in ClinVar:

NM_152703.5(SAMD9L):c.3571A>C (p.Met1191Leu)

Gene: SAMD9L (sterile alpha motif domain containing 9 like; minus strand). Cytogenetic location: 7q21.2.
Variant type: single nucleotide variant.
Coding change: c.3571A>C on transcript NM_152703.5 (MANE Select); coding-DNA position 3571, A replaced by C.
Protein change: p.Met1191Leu; replaces methionine 1191 with leucine.
Molecular consequence: missense variant.
Genome position (GRCh38, 1-based): chr7:93,132,401, T>G on the plus strand (A>C on the coding strand, the complement: SAMD9L is on the minus strand). VCF-style: chr7-93132401-T-G. GRCh37 (hg19) VCF-style: chr7-92761714-T-G.
Other names: c.3571A>C, p.Met1191Leu (NM_001303496.3, NM_001303497.3, NM_001303498.3 and 5 more transcripts); short protein forms M1191L.
Identifiers: ClinVar variation 4630058 (VCV004630058.1).

ClinVar aggregate classification (germline): Uncertain significance (1 of 4 stars; one submission).

Conditions:
Inborn genetic diseases. Identifiers: MedGen C0950123, MeSH D030342.

Submission:

Ambry Genetics
Classification: Uncertain significance for Inborn genetic diseases. Last evaluated: 2025-10-15. Review status: criteria provided, single submitter. Criteria: Ambry Variant Classification Scheme 2023. Collection method: clinical testing. Allele origin: germline.
Comment: The p.M1191L variant (also known as c.3571A>C), located in coding exon 1 of the SAMD9L gene, results from an A to C substitution at nucleotide position 3571. The methionine at codon 1191 is replaced by leucine, an amino acid with highly similar properties. This amino acid position is conserved. In addition, this alteration is predicted to be tolerated by in silico analysis. Based on the available evidence, the clinical significance of this variant remains unclear.